The following is an entry in ClinVar:

ClinVar aggregate classification (germline): Uncertain significance. Review status: criteria provided, multiple submitters, no conflicts (2 of 4 stars). 3 submissions from 3 submitters: Uncertain significance (3). Last evaluated 2024-05-06.

Conditions:
Hereditary cancer-predisposing syndrome. Also called: Hereditary Cancer Syndrome; Tumor predisposition; Neoplastic Syndromes, Hereditary; Hereditary neoplastic syndrome. Identifiers: Orphanet 140162, MedGen C0027672, MeSH D009386, MONDO:0015356.
Classic or attenuated familial adenomatous polyposis. Identifiers: MedGen CN372698, MONDO:0021057.
Familial adenomatous polyposis 1 (FAP1). Also called: FAMILIAL ADENOMATOUS POLYPOSIS 1, ATTENUATED; POLYPOSIS, ADENOMATOUS INTESTINAL. Identifiers: MedGen C2713442, MONDO:0021056, OMIM 175100. Disease mechanism: loss of function.

Submissions (3):

Labcorp Genetics (formerly Invitae), Labcorp
Classification: Uncertain significance for Familial adenomatous polyposis 1. Last evaluated: 2024-05-06. Review status: criteria provided, single submitter. Criteria: Invitae Variant Classification Sherloc (09022015). Collection method: clinical testing. Allele origin: germline.
Comment: This sequence change replaces glycine, which is neutral and non-polar, with serine, which is neutral and polar, at codon 977 of the APC protein (p.Gly977Ser). This variant is not present in population databases (gnomAD no frequency). This variant has not been reported in the literature in individuals affected with APC-related conditions. ClinVar contains an entry for this variant (Variation ID: 1014075). Advanced modeling of protein sequence and biophysical properties (such as structural, functional, and spatial information, amino acid conservation, physicochemical variation, residue mobility, and thermodynamic stability) performed at Invitae indicates that this missense variant is not expected to disrupt APC protein function with a negative predictive value of 95%. In summary, the available evidence is currently insufficient to determine the role of this variant in disease. Therefore, it has been classified as a Variant of Uncertain Significance.

All of Us Research Program, National Institutes of Health
Classification: Uncertain significance for Classic or attenuated familial adenomatous polyposis. Last evaluated: 2023-11-02. Review status: criteria provided, single submitter. Criteria: ACMG Guidelines, 2015. Collection method: clinical testing. Allele origin: germline. Inheritance: Autosomal dominant inheritance. Observed: 1 variant allele, 1 heterozygote.
Comment: This missense variant replaces glycine with serine at codon 977 of the APC protein. Computational prediction suggests that this variant may not impact protein structure and function (internally defined REVEL score threshold <= 0.5, PMID: 27666373). To our knowledge, functional studies have not been reported for this variant. This variant has not been reported in individuals affected with APC-related disorders in the literature. This variant has not been identified in the general population by the Genome Aggregation Database (gnomAD). The available evidence is insufficient to determine the role of this variant in disease conclusively. Therefore, this variant is classified as a Variant of Uncertain Significance.

This study involves interpretation of variants in research participants for the purpose of population health screening. Participant phenotype was not available at the time of variant classification. Additional details can be found in publication PMID: 35346344, PMCID: PMC8962531

Ambry Genetics
Classification: Uncertain significance for Hereditary cancer-predisposing syndrome. Last evaluated: 2022-12-05. Review status: criteria provided, single submitter. Criteria: Ambry Variant Classification Scheme 2023. Collection method: clinical testing. Allele origin: germline.
Comment: The p.G977S variant (also known as c.2929G>A), located in coding exon 15 of the APC gene, results from a G to A substitution at nucleotide position 2929. The glycine at codon 977 is replaced by serine, an amino acid with similar properties. This amino acid position is highly conserved in available vertebrate species. In addition, in silico predictors for this gene do not accurately predict pathogenicity. Since supporting evidence is limited at this time, the clinical significance of this alteration remains unclear.

NM_000038.6(APC):c.2929G>A (p.Gly977Ser)

Gene: APC (APC regulator of Wnt signaling pathway; plus strand). Cytogenetic location: 5q22.2.
Variant type: single nucleotide variant.
Coding change: c.2929G>A on transcript NM_000038.6 (MANE Select); coding-DNA position 2929, G replaced by A.
Protein change: p.Gly977Ser; replaces glycine 977 with serine.
Molecular consequence: missense variant.
Genome position (GRCh38, 1-based): chr5:112,838,523, G>A. VCF-style: chr5-112838523-G-A. GRCh37 (hg19) VCF-style: chr5-112174220-G-A.
Other names: c.2929G>A, p.Gly977Ser (NM_001127510.3, NM_001354895.2); c.2875G>A, p.Gly959Ser (NM_001127511.3); c.2983G>A, p.Gly995Ser (NM_001354896.2); c.2959G>A, p.Gly987Ser (NM_001354897.2); c.2854G>A, p.Gly952Ser (NM_001354898.2); c.2845G>A, p.Gly949Ser (NM_001354899.2); c.2806G>A, p.Gly936Ser (NM_001354900.2); c.2752G>A, p.Gly918Ser (NM_001354901.2); and 5 more; short protein forms G694S, G817S, G851S, G876S, G886S, G918S, G936S, G949S.
Identifiers: ClinVar variation 1014075 (VCV001014075.14), dbSNP rs1765297343, ClinGen allele CA16027729.